The following is an entry in ClinVar:

NM_024529.5(CDC73):c.1528G>A (p.Val510Met)

Gene: CDC73 (cell division cycle 73; plus strand). Cytogenetic location: 1q31.2.
Variant type: single nucleotide variant.
Coding change: c.1528G>A on transcript NM_024529.5 (MANE Select); coding-DNA position 1528, G replaced by A.
Protein change: p.Val510Met; replaces valine 510 with methionine.
Molecular consequence: missense variant.
Genome position (GRCh38, 1-based): chr1:193,249,840, G>A. VCF-style: chr1-193249840-G-A. GRCh37 (hg19) VCF-style: chr1-193218970-G-A.
Other names: short protein forms V510M.
Identifiers: ClinVar variation 2884150 (VCV002884150.4), dbSNP rs2102073559, ClinGen allele CA344078588.
Genomic context (GRCh38, chr1:193,249,840, plus strand): 5'-CAGAAATGGGATGTAACAGTATTAGAACTCAGCTATCACAAACGTCATTTGGATAGACCA[G>A]TGTTCTTACGGTTTTGGGAAACATTGGACAGGTAATTCCGATTCTAAAATATGCTTGTGT-3'
Protein context (NP_078805.3, residues 500-520): SYHKRHLDRP[Val510Met]FLRFWETLDR

ClinVar aggregate classification (germline): Uncertain significance. Review status: criteria provided, multiple submitters, no conflicts (2 of 4 stars). 2 submissions from 2 submitters: Uncertain significance (2). Last evaluated 2025-10-28.

Conditions:
Hereditary cancer-predisposing syndrome. Also called: Hereditary Cancer Syndrome; Hereditary neoplastic syndrome; Tumor predisposition; Neoplastic Syndromes, Hereditary. Identifiers: Orphanet 140162, MedGen C0027672, MeSH D009386, MONDO:0015356.
Parathyroid carcinoma (PRTC). Also called: Parathyroid gland carcinoma; CDC73-Related Parathyroid Carcinoma. Identifiers: Orphanet 143, MedGen C0687150, MONDO:0012004, OMIM 608266, HP:0006780.

Submissions (2):

Ambry Genetics
Classification: Uncertain significance for Hereditary cancer-predisposing syndrome. Last evaluated: 2025-10-28. Review status: criteria provided, single submitter. Criteria: Ambry Variant Classification Scheme 2023. Collection method: clinical testing. Allele origin: germline.
Comment: The p.V510M variant (also known as c.1528G>A), located in coding exon 16 of the CDC73 gene, results from a G to A substitution at nucleotide position 1528. The valine at codon 510 is replaced by methionine, an amino acid with highly similar properties. This amino acid position is conserved. In addition, the in silico prediction for this alteration is inconclusive. Based on the available evidence, the clinical significance of this variant remains unclear.

Labcorp Genetics (formerly Invitae), Labcorp
Classification: Uncertain significance for Parathyroid carcinoma. Last evaluated: 2023-12-14. Review status: criteria provided, single submitter. Criteria: Invitae Variant Classification Sherloc (09022015). Collection method: clinical testing. Allele origin: germline.
Comment: This sequence change replaces valine, which is neutral and non-polar, with methionine, which is neutral and non-polar, at codon 510 of the CDC73 protein (p.Val510Met). This variant is not present in population databases (gnomAD no frequency). This variant has not been reported in the literature in individuals affected with CDC73-related conditions. Advanced modeling of protein sequence and biophysical properties (such as structural, functional, and spatial information, amino acid conservation, physicochemical variation, residue mobility, and thermodynamic stability) performed at Invitae indicates that this missense variant is not expected to disrupt CDC73 protein function with a negative predictive value of 80%. In summary, the available evidence is currently insufficient to determine the role of this variant in disease. Therefore, it has been classified as a Variant of Uncertain Significance.